The following is an entry in ClinVar:

ClinVar aggregate classification (germline): Uncertain significance. Review status: criteria provided, multiple submitters, no conflicts (2 of 4 stars). 2 submissions from 2 submitters: Uncertain significance (2). Last evaluated 2024-11-06.

Conditions:
Inborn genetic diseases. Identifiers: MedGen C0950123, MeSH D030342.

Allele frequency attached by ClinVar (database versions not stated): gnomAD exomes below 0.00001.

Submissions (2):

GeneDx
Classification: Uncertain significance. Last evaluated: 2024-11-06. Review status: criteria provided, single submitter. Criteria: GeneDx Variant Classification Process June 2021. Collection method: clinical testing. Allele origin: germline. Affected: yes.
Comment: Not observed at significant frequency in large population cohorts (gnomAD); In silico analysis indicates that this missense variant does not alter protein structure/function; Has not been previously published as pathogenic or benign to our knowledge

Ambry Genetics
Classification: Uncertain significance for Inborn genetic diseases. Last evaluated: 2023-03-14. Review status: criteria provided, single submitter. Criteria: Ambry Variant Classification Scheme 2023. Collection method: clinical testing. Allele origin: germline.

NM_001164508.2(NEB):c.4161G>A (p.Met1387Ile)

Gene: NEB (nebulin; minus strand). Cytogenetic location: 2q23.3.
Variant type: single nucleotide variant.
Coding change: c.4161G>A on transcript NM_001164508.2 (MANE Select); coding-DNA position 4161, G replaced by A.
Protein change: p.Met1387Ile; replaces methionine 1387 with isoleucine.
Molecular consequence: missense variant.
Genome position (GRCh38, 1-based): chr2:151,672,507, C>T on the plus strand (G>A on the coding strand, the complement: NEB is on the minus strand). VCF-style: chr2-151672507-C-T. GRCh37 (hg19) VCF-style: chr2-152529021-C-T.
Other names: c.4161G>A, p.Met1387Ile (NM_001164507.2, NM_001271208.2, NM_004543.5); short protein forms M1387I.
Identifiers: ClinVar variation 2496222 (VCV002496222.3), dbSNP rs2099313159, ClinGen allele CA348816666.
Genomic context (GRCh38, chr2:151,672,507, plus strand): 5'-CTGTTTGTAGTTGACATTGGTAGCGACATCCTGGGCCATCTTTGCAGCTGTGATGCTAAC[C>T]ATGTCCCCAGGGGTATGGTAGCTGGTTTTGGTGTTCTCATAGTTCTTCTTGTATTCACGA-3'
Protein context (NP_001157980.2, residues 1377-1397): TKTSYHTPGD[Met1387Ile]VSITAAKMAQ